The following is an entry in ClinVar:

NM_012338.4(TSPAN12):c.602T>G (p.Leu201Arg)

Gene: TSPAN12 (tetraspanin 12; minus strand). Cytogenetic location: 7q31.31.
Variant type: single nucleotide variant.
Coding change: c.602T>G on transcript NM_012338.4 (MANE Select); coding-DNA position 602, T replaced by G.
Protein change: p.Leu201Arg; replaces leucine 201 with arginine.
Molecular consequence: missense variant.
Genome position (GRCh38, 1-based): chr7:120,806,559, A>C on the plus strand (T>G on the coding strand, the complement: TSPAN12 is on the minus strand). VCF-style: chr7-120806559-A-C. GRCh37 (hg19) VCF-style: chr7-120446613-A-C.
Other names: short protein forms L201R.
Identifiers: ClinVar variation 1302337 (VCV001302337.2), dbSNP rs2116347830, ClinGen allele CA369135961.

ClinVar aggregate classification (germline): Uncertain significance (1 of 4 stars; one submission).

Submission:

GeneDx
Classification: Uncertain significance. Last evaluated: 2020-06-29. Review status: criteria provided, single submitter. Criteria: GeneDx Variant Classification Process June 2021. Collection method: clinical testing. Allele origin: germline. Affected: yes.
Comment: Not observed at in large population cohorts (Lek et al., 2016); In silico analysis supports that this missense variant does not alter protein structure/function; Has not been previously published as pathogenic or benign to our knowledge